The following is an entry in ClinVar:

NM_014363.6(SACS):c.10379_10383del (p.Lys3460fs)

Gene: SACS (sacsin molecular chaperone; minus strand). Cytogenetic location: 13q12.12.
Variant type: Deletion.
Coding change: c.10379_10383del on transcript NM_014363.6 (MANE Select); coding-DNA positions 10379 to 10383, 5 bases deleted (AAGAA; older notation c.10379_10383delAAGAA).
Protein change: p.Lys3460fs; shifts the reading frame from lysine 3460.
Molecular consequence: frameshift variant.
Genome position (GRCh38, 1-based): chr13:23,333,493-23,333,497, TTCTT deleted on the plus strand (AAGAA on the coding strand, the reverse complement: SACS is on the minus strand); deleting any 5 consecutive bases within chr13:23,333,493-23,333,499 gives the same sequence; the c. name uses the placement nearest the transcript's 3' end. VCF-style (leftmost placement, unchanged base first): chr13-23333492-GTTCTT-G. GRCh37 (hg19) VCF-style: chr13-23907631-GTTCTT-G.
Other names: c.9938_9942del, p.Lys3313fs (NM_001278055.2); short protein forms K3313fs, K3460fs.
Identifiers: ClinVar variation 553095 (VCV000553095.5), dbSNP rs1555250255, ClinGen allele CA658823460.

ClinVar aggregate classification (germline): Pathogenic. Review status: criteria provided, single submitter (1 of 4 stars). 2 submissions from 2 submitters: Pathogenic (1). 1 of the submissions does not count toward it. Last evaluated 2023-02-08.

Conditions:
Spastic paraplegia. Identifiers: MedGen C0037772, HP:0001258.
Charlevoix-Saguenay spastic ataxia (SACS). Also called: SPASTIC ATAXIA 6, AUTOSOMAL RECESSIVE; AUTOSOMAL RECESSIVE SPASTIC ATAXIA OF CHARLEVOIX-SAGUENAY; Spastic ataxia of Charlevoix-Saguenay. Identifiers: Orphanet 98, MedGen C1849140, MONDO:0010041, OMIM 270550.

Submissions (2):

Labcorp Genetics (formerly Invitae), Labcorp
Classification: Pathogenic for Spastic paraplegia. Last evaluated: 2023-02-08. Review status: criteria provided, single submitter. Criteria: Invitae Variant Classification Sherloc (09022015). Collection method: clinical testing. Allele origin: germline.
Comment: This sequence change creates a premature translational stop signal (p.Lys3460Thrfs*3) in the SACS gene. While this is not anticipated to result in nonsense mediated decay, it is expected to disrupt the last 1120 amino acid(s) of the SACS protein. This variant is not present in population databases (gnomAD no frequency). This variant has not been reported in the literature in individuals affected with SACS-related conditions. ClinVar contains an entry for this variant (Variation ID: 553095). This variant disrupts a region of the SACS protein in which other variant(s) (p.Asn4549Asp) have been determined to be pathogenic (PMID: 15156359, 21507954). This suggests that this is a clinically significant region of the protein, and that variants that disrupt it are likely to be disease-causing. For these reasons, this variant has been classified as Pathogenic.

Counsyl
Classification: Likely pathogenic for Charlevoix-Saguenay spastic ataxia. Last evaluated: 2017-08-02. Review status: no assertion criteria provided. Collection method: clinical testing. Allele origin: unknown. Not counted in ClinVar's aggregate classification.

Literature cited by the submitters: PubMed 15156359 (cited by Labcorp Genetics (formerly Invitae), Labcorp); PubMed 21507954 (cited by Labcorp Genetics (formerly Invitae), Labcorp).